The following is an entry in ClinVar:

NM_000384.3(APOB):c.9254C>A (p.Ala3085Glu)

Gene: APOB (apolipoprotein B; minus strand). Cytogenetic location: 2p24.1.
Variant type: single nucleotide variant.
Coding change: c.9254C>A on transcript NM_000384.3 (MANE Select); coding-DNA position 9254, C replaced by A.
Protein change: p.Ala3085Glu; replaces alanine 3085 with glutamic acid.
Molecular consequence: missense variant.
Genome position (GRCh38, 1-based): chr2:21,007,614, G>T on the plus strand (C>A on the coding strand, the complement: APOB is on the minus strand). VCF-style: chr2-21007614-G-T. GRCh37 (hg19) VCF-style: chr2-21230486-G-T.
Other names: short protein forms A3085E.
Identifiers: ClinVar variation 3761095 (VCV003761095.2).

ClinVar aggregate classification (germline): Uncertain significance (1 of 4 stars; one submission).

Conditions:
Familial hypobetalipoproteinemia 1. Also called: APOB-Related Familial Hypobetalipoproteinemia; Hypobetalipoproteinemia, normotriglyceridemic; Acanthocytosis with hypobetalipoproteinemia. Identifiers: MedGen C4551990, MONDO:0014252, OMIM 615558.
Hypercholesterolemia, autosomal dominant, type B (FHCL2). Also called: Familial Hypercholesterolemia Type B; APOLIPOPROTEIN B-100, FAMILIAL DEFECTIVE; APOLIPOPROTEIN B-100, FAMILIAL LIGAND-DEFECTIVE; HYPERCHOLESTEROLEMIA, FAMILIAL, DUE TO LIGAND-DEFECTIVE APOLIPOPROTEIN B; Hyperlipoproteinemia Type IIb; Familial hypercholesterolemia 2. Identifiers: MedGen C1704417, MONDO:0007751, OMIM 144010.

Submission:

Labcorp Genetics (formerly Invitae), Labcorp
Classification: Uncertain significance for Familial hypobetalipoproteinemia 1; Hypercholesterolemia, autosomal dominant, type B. Last evaluated: 2024-12-04. Review status: criteria provided, single submitter. Criteria: Invitae Variant Classification Sherloc (09022015). Collection method: clinical testing. Allele origin: germline.
Comment: This sequence change replaces alanine, which is neutral and non-polar, with glutamic acid, which is acidic and polar, at codon 3085 of the APOB protein (p.Ala3085Glu). This variant is not present in population databases (gnomAD no frequency). This variant has not been reported in the literature in individuals affected with APOB-related conditions. Invitae Evidence Modeling of protein sequence and biophysical properties (such as structural, functional, and spatial information, amino acid conservation, physicochemical variation, residue mobility, and thermodynamic stability) indicates that this missense variant is not expected to disrupt APOB protein function with a negative predictive value of 95%. In summary, the available evidence is currently insufficient to determine the role of this variant in disease. Therefore, it has been classified as a Variant of Uncertain Significance.